The following is an entry in ClinVar:

ClinVar aggregate classification (germline): Uncertain significance (0 of 4 stars; one submission).

Conditions:
SLC4A1-related disorder. Also called: SLC4A1-related condition; SLC4A1-related disorders.

Submission:

PreventionGenetics, part of Exact Sciences
Classification: Uncertain significance for SLC4A1-related condition. Last evaluated: 2024-09-13. Review status: no assertion criteria provided. Collection method: clinical testing. Allele origin: germline.
Comment: The SLC4A1 c.2351C>T variant is predicted to result in the amino acid substitution p.Pro784Leu. This variant was reported in two individuals presenting with spherocytosis; however, it was classified as uncertain in the report (Tole et al. 2020. PubMed ID: 32436265). This variant has not been reported in a large population database, indicating this variant is rare. At this time, the clinical significance of this variant is uncertain due to the absence of conclusive functional and genetic evidence.

NM_000342.4(SLC4A1):c.2351C>T (p.Pro784Leu)

Gene: SLC4A1 (solute carrier family 4 member 1 (Diego blood group); minus strand). Cytogenetic location: 17q21.31.
Variant type: single nucleotide variant.
Coding change: c.2351C>T on transcript NM_000342.4 (MANE Select); coding-DNA position 2351, C replaced by T.
Protein change: p.Pro784Leu; replaces proline 784 with leucine.
Molecular consequence: missense variant.
Genome position (GRCh38, 1-based): chr17:44,251,549, G>A on the plus strand (C>T on the coding strand, the complement: SLC4A1 is on the minus strand). VCF-style: chr17-44251549-G-A. GRCh37 (hg19) VCF-style: chr17-42328917-G-A.
Other names: short protein forms P784L.
Identifiers: ClinVar variation 3355902 (VCV003355902.1).